The following is an entry in ClinVar:

NM_001130823.3(DNMT1):c.3656C>T (p.Thr1219Ile)

Gene: DNMT1 (DNA methyltransferase 1; minus strand). Cytogenetic location: 19p13.2.
Variant type: single nucleotide variant.
Coding change: c.3656C>T on transcript NM_001130823.3 (MANE Select); coding-DNA position 3656, C replaced by T.
Protein change: p.Thr1219Ile; replaces threonine 1219 with isoleucine.
Molecular consequence: missense variant.
Genome position (GRCh38, 1-based): chr19:10,140,196, G>A on the plus strand (C>T on the coding strand, the complement: DNMT1 is on the minus strand). VCF-style: chr19-10140196-G-A. GRCh37 (hg19) VCF-style: chr19-10250872-G-A.
Other names: c.3608C>T, p.Thr1203Ile (NM_001318730.2, NM_001379.4); c.3293C>T, p.Thr1098Ile (NM_001318731.2); short protein forms T1098I, T1203I, T1219I.
Identifiers: ClinVar variation 1308047 (VCV001308047.2), dbSNP rs201497993, ClinGen allele CA403973001.

ClinVar aggregate classification (germline): Uncertain significance (1 of 4 stars; one submission).

gnomAD v4.1: 7 of 1,614,000 alleles (0.00043%); highest among the groups gnomAD compares: Non-Finnish European, 0.00059%; no homozygotes.

Submission:

GeneDx
Classification: Uncertain significance. Last evaluated: 2019-08-21. Review status: criteria provided, single submitter. Criteria: GeneDx Variant Classification Process June 2021. Collection method: clinical testing. Allele origin: germline. Affected: yes.
Comment: In silico analysis, which includes protein predictors and evolutionary conservation, supports that this variant does not alter protein structure/function; Has not been previously published as pathogenic or benign to our knowledge